The following is an entry in ClinVar:

ClinVar aggregate classification (germline): Pathogenic/Likely pathogenic. Review status: criteria provided, multiple submitters, no conflicts (2 of 4 stars). 2 submissions from 2 submitters: Pathogenic (1); Likely pathogenic (1). Last evaluated 2025-06-30.

Conditions:
Leber congenital amaurosis 1 (LCA1). Also called: Congenital absence of the rods and cones; Leber's congenital tapetoretinal degeneration; Leber's congenital tapetoretinal dysplasia; AMAUROSIS CONGENITA OF LEBER I; RETINAL BLINDNESS, CONGENITAL. Identifiers: Orphanet 65, MedGen C2931258, MONDO:0008764, OMIM 204000.

Allele frequency attached by ClinVar (database versions not stated): TOPMed below 0.00001; gnomAD 0.00001.

Submissions (2):

Labcorp Genetics (formerly Invitae), Labcorp
Classification: Pathogenic. Last evaluated: 2025-06-30. Review status: criteria provided, single submitter. Criteria: Invitae Variant Classification Sherloc (09022015). Collection method: clinical testing. Allele origin: germline.
Comment: This sequence change replaces arginine, which is basic and polar, with glycine, which is neutral and non-polar, at codon 55 of the LRAT protein (p.Arg55Gly). This variant is present in population databases (no rsID available, gnomAD no frequency). This missense change has been observed in individuals with inherited retinal dystrophy (PMID: 30190494; internal data). ClinVar contains an entry for this variant (Variation ID: 802096). An algorithm developed to predict the effect of missense changes on protein structure and function (PolyPhen-2) suggests that this variant is likely to be disruptive. This variant disrupts the p.Arg55 amino acid residue in LRAT. Other variant(s) that disrupt this residue have been determined to be pathogenic (PMID: 25324289, 29844330). This suggests that this residue is clinically significant, and that variants that disrupt this residue are likely to be disease-causing. For these reasons, this variant has been classified as Pathogenic.

Mendelics
Classification: Likely pathogenic for Leber congenital amaurosis 1. Last evaluated: 2019-05-28. Review status: criteria provided, single submitter. Criteria: Mendelics Assertion Criteria 2017. Collection method: clinical testing. Allele origin: unknown.

Literature cited by the submitters: PubMed 30190494 (cited by Labcorp Genetics (formerly Invitae), Labcorp); PubMed 25324289 (cited by Labcorp Genetics (formerly Invitae), Labcorp); PubMed 29844330 (cited by Labcorp Genetics (formerly Invitae), Labcorp).

NM_004744.5(LRAT):c.163C>G (p.Arg55Gly)

Gene: LRAT (lecithin retinol acyltransferase; plus strand). Cytogenetic location: 4q32.1.
Variant type: single nucleotide variant.
Coding change: c.163C>G on transcript NM_004744.5 (MANE Select); coding-DNA position 163, C replaced by G.
Protein change: p.Arg55Gly; replaces arginine 55 with glycine.
Molecular consequence: missense variant.
Genome position (GRCh38, 1-based): chr4:154,744,489, C>G. VCF-style: chr4-154744489-C-G. GRCh37 (hg19) VCF-style: chr4-155665641-C-G.
Other names: c.163C>G, p.Arg55Gly (NM_001301645.2); short protein forms R55G.
Identifiers: ClinVar variation 802096 (VCV000802096.6), dbSNP rs527236079, ClinGen allele CA358630110.